The following is an entry in ClinVar:

NM_006904.7(PRKDC):c.7427T>C (p.Ile2476Thr)

Gene: PRKDC (protein kinase, DNA-activated, catalytic subunit; minus strand). Cytogenetic location: 8q11.21.
Variant type: single nucleotide variant.
Coding change: c.7427T>C on transcript NM_006904.7 (MANE Select); coding-DNA position 7427, T replaced by C.
Protein change: p.Ile2476Thr; replaces isoleucine 2476 with threonine.
Molecular consequence: missense variant.
Genome position (GRCh38, 1-based): chr8:47,840,043, A>G on the plus strand (T>C on the coding strand, the complement: PRKDC is on the minus strand). VCF-style: chr8-47840043-A-G. GRCh37 (hg19) VCF-style: chr8-48752604-A-G.
Other names: c.7427T>C, p.Ile2476Thr (NM_001081640.2); short protein forms I2476T.
Identifiers: ClinVar variation 1466596 (VCV001466596.6), dbSNP rs2154499862, ClinGen allele CA371155097.
Genomic context (GRCh38, chr8:47,840,043, plus strand): 5'-GTAACAAAATAAAATAGTCAATGTATAGCTTACCTGTAATTATCATGAATCCACATGAGA[A>G]TATTATACATTTGTTCCCTACATGTTGTAGAAGGATGGGAAACGAATTCCACAACGGGGT-3'
Protein context (NP_008835.5, residues 2466-2486): STTCREQMYN[Ile2476Thr]LMWIHDNYRD

ClinVar aggregate classification (germline): Uncertain significance (1 of 4 stars; one submission).

Conditions:
Severe combined immunodeficiency due to DNA-PKcs deficiency. Also called: Immunodeficiency 26 with or without neurologic abnormalities; IMMUNODEFICIENCY 26 WITH NEUROLOGIC ABNORMALITIES. Identifiers: Orphanet 317425, MedGen C4014833, MONDO:0014423, OMIM 615966.

Submission:

Labcorp Genetics (formerly Invitae), Labcorp
Classification: Uncertain significance for Severe combined immunodeficiency due to DNA-PKcs deficiency. Last evaluated: 2023-08-04. Review status: criteria provided, single submitter. Criteria: Invitae Variant Classification Sherloc (09022015). Collection method: clinical testing. Allele origin: germline.
Comment: This variant is not present in population databases (gnomAD no frequency). In summary, the available evidence is currently insufficient to determine the role of this variant in disease. Therefore, it has been classified as a Variant of Uncertain Significance. Advanced modeling of protein sequence and biophysical properties (such as structural, functional, and spatial information, amino acid conservation, physicochemical variation, residue mobility, and thermodynamic stability) performed at Invitae indicates that this missense variant is expected to disrupt PRKDC protein function. ClinVar contains an entry for this variant (Variation ID: 1466596). This variant has not been reported in the literature in individuals affected with PRKDC-related conditions. This sequence change replaces isoleucine, which is neutral and non-polar, with threonine, which is neutral and polar, at codon 2476 of the PRKDC protein (p.Ile2476Thr).